The following is an entry in ClinVar:

ClinVar aggregate classification (germline): Pathogenic (1 of 4 stars; one submission).

Conditions:
LCAT deficiency. Also called: Lecithin Acyltransferase Deficiency. Identifiers: Orphanet 650, Orphanet 79293, MedGen C5779633, MONDO:0018999.

Allele frequency attached by ClinVar (database versions not stated): gnomAD exomes below 0.00001; TOPMed below 0.00001; ExAC 0.00001; gnomAD 0.00001.
gnomAD v4.1: 3 of 1,613,408 alleles (0.00019%); highest among the groups gnomAD compares: Non-Finnish European, 0.00025%; no homozygotes.

Submission:

Unidad de Genómica Médica UC, Pontificia Universidad Católica de Chile
Classification: Pathogenic for Norum disease. Last evaluated: 2019-04-29. Review status: criteria provided, single submitter. Criteria: ACMG Guidelines, 2015. Collection method: research. Allele origin: germline. Inheritance: Autosomal recessive inheritance. Affected: yes and no. Observed: 4 heterozygotes, 1 compound heterozygote. Clinical features observed: Anemia (HP:0001903), Decreased HDL cholesterol concentration (HP:0003233), Corneal opacity (HP:0007957).
Comment: Sequencing of exons and intron-exon boundaries was performed to identify mutations. Site-directed mutagenesis was carried out to generate plasmids containing cDNA with wild type or mutant sequences. Such expression vectors were transfected to HEK-239T cells to asses the effect of LCAT variants in expression, synthesis, secretion and enzyme activity. In silico prediction analysis and molecular modeling was also used to evaluate the effect of LCAT variants. LCAT protein was detected in probandâ€™s plasma, but with undetectable enzyme activity compared to control relatives. HEK-239T transfected cells with vector expression plasmids containing either p.M404V or p.V333M cDNA showed detectable LCAT protein expression both in supernatants and lysates from cultured cells, but with much lower enzyme activity compared to cells transfected with the wild-type sequence. Bioinformatic analyses also supported a causal role of such rare variations in LCAT lack of function. Conclusion: Genetic, biochemical, in vitro and in silico analyses indicate that the rare mutations p.M404V and p.V333M in LCAT gene lead to suppression of LAT enzyme activity and cause clinical features of familial LCAT deficiency.

Literature cited by the submitters: PubMed 31164121.

NM_000229.2(LCAT):c.1210A>G (p.Met404Val)

Gene: LCAT (lecithin-cholesterol acyltransferase; minus strand). Cytogenetic location: 16q22.1.
Variant type: single nucleotide variant.
Coding change: c.1210A>G on transcript NM_000229.2 (MANE Select); coding-DNA position 1210, A replaced by G.
Protein change: p.Met404Val; replaces methionine 404 with valine.
Molecular consequence: missense variant.
Genome position (GRCh38, 1-based): chr16:67,940,017, T>C on the plus strand (A>G on the coding strand, the complement: LCAT is on the minus strand). VCF-style: chr16-67940017-T-C. GRCh37 (hg19) VCF-style: chr16-67973920-T-C.
Other names: short protein forms M404V.
Identifiers: ClinVar variation 626358 (VCV000626358.3), dbSNP rs779114194, ClinGen allele CA8120867.